The following is an entry in ClinVar:

NC_000009.12:g.395250_707463dup

Genes: DOCK8 (dedicator of cytokinesis 8; plus strand), KANK1 (KN motif and ankyrin repeat domains 1; plus strand), KANK1-AS1 (KANK1 antisense RNA 1; minus strand), LOC126860553 (BRD4-independent group 4 enhancer GRCh37_chr9:621337-622536; plus strand), LOC129390062 (MPRA-validated peak7200 silencer; plus strand) and 3 more. Cytogenetic location: 9p24.3.
Variant type: Duplication.
Identifiers: ClinVar variation 157131 (VCV000157131.2).

ClinVar aggregate classification (germline): not provided (0 of 4 stars; one submission).

Conditions:
Normal pregnancy. Identifiers: MedGen C0232989.

Submission:

Institute of Molecular and Cell Biology, University of Tartu
No classification provided. Condition: Normal pregnancy. Review status: no classification provided. Collection method: case-control. Allele origin: unknown. Affected: yes. Study: Kasak2014.
Comment: The study aimed to determine the contribution of copy number variants in the genetic etiology of normal and complicated pregnancies. The samples represented (i) maternal blood DNA drawn from healthy pregnant women during 1st or 2nd trimester and (ii) maternal and paternal blood DNA drawn at term pregnancy cases representing normal and complicated gestations (severe preeclampsia, PE; gestational diabetes, GD; small-for-gestational age newborn, SGA; large-for-gestational age newborn, LGA). We performed CNV calling based on genome-wide genotyping dataset (Illumina HumanOmniExpress-24-v1 BeadChip) by applying three algorithms, QuantiSNP, GADA (Genome Alteration Detection Algorithm) and CNstream in parallel. The acquired CNV calls were merged with HD-CNV (Hotspot Detector for Copy Number Variants) program and only the CNVs predicted by at least two programs, were considered in subsequent analysis.

Literature cited by the submitters: PubMed 25666259.